The following is an entry in ClinVar:

NM_000372.5(TYR):c.398A>C (p.Lys133Thr)

Gene: TYR (tyrosinase; plus strand). Cytogenetic location: 11q14.3.
Variant type: single nucleotide variant.
Coding change: c.398A>C on transcript NM_000372.5 (MANE Select); coding-DNA position 398, A replaced by C.
Protein change: p.Lys133Thr; replaces lysine 133 with threonine.
Molecular consequence: missense variant.
Genome position (GRCh38, 1-based): chr11:89,178,351, A>C. VCF-style: chr11-89178351-A-C. GRCh37 (hg19) VCF-style: chr11-88911519-A-C.
Other names: short protein forms K133T.
Identifiers: ClinVar variation 2129559 (VCV002129559.1), dbSNP rs1235125199, ClinGen allele CA382034315.

ClinVar aggregate classification (germline): Uncertain significance (1 of 4 stars; one submission).

Allele frequency attached by ClinVar (database versions not stated): gnomAD exomes below 0.00001; gnomAD 0.00001; TOPMed 0.00001.
gnomAD v4.1: 2 of 1,613,982 alleles (0.00012%); highest among the groups gnomAD compares: East Asian, 0.0022%; no homozygotes.

Submission:

Labcorp Genetics (formerly Invitae), Labcorp
Classification: Uncertain significance. Last evaluated: 2022-04-23. Review status: criteria provided, single submitter. Criteria: Invitae Variant Classification Sherloc (09022015). Collection method: clinical testing. Allele origin: germline.
Comment: This sequence change replaces lysine, which is basic and polar, with threonine, which is neutral and polar, at codon 133 of the TYR protein (p.Lys133Thr). This variant is not present in population databases (gnomAD no frequency). This variant has not been reported in the literature in individuals affected with TYR-related conditions. Advanced modeling of protein sequence and biophysical properties (such as structural, functional, and spatial information, amino acid conservation, physicochemical variation, residue mobility, and thermodynamic stability) performed at Invitae indicates that this missense variant is expected to disrupt TYR protein function. In summary, the available evidence is currently insufficient to determine the role of this variant in disease. Therefore, it has been classified as a Variant of Uncertain Significance.